The following is an entry in ClinVar:

NM_002230.4(JUP):c.536T>A (p.Leu179Gln)

Gene: JUP (junction plakoglobin; minus strand). Cytogenetic location: 17q21.2.
Variant type: single nucleotide variant.
Coding change: c.536T>A on transcript NM_002230.4 (MANE Select); coding-DNA position 536, T replaced by A.
Protein change: p.Leu179Gln; replaces leucine 179 with glutamine.
Molecular consequence: missense variant.
Genome position (GRCh38, 1-based): chr17:41,769,140, A>T on the plus strand (T>A on the coding strand, the complement: JUP is on the minus strand). VCF-style: chr17-41769140-A-T. GRCh37 (hg19) VCF-style: chr17-39925392-A-T.
Other names: c.536T>A, p.Leu179Gln (NM_001352773.2, NM_001352774.2, NM_001352775.2 and 3 more transcripts); short protein forms L179Q.
Identifiers: ClinVar variation 2950558 (VCV002950558.3), dbSNP rs2544182872, ClinGen allele CA399503365.
Genomic context (GRCh38, chr17:41,769,140, plus strand): 5'-AGGTCGCTGGTATTCTGCATGGTACGCACGACAGCGGCCACCAGCTGGGGCGAGCCCATC[A>T]GGGCCCGCCGCGACGCCTCCTTCTTCGACAGCTGGTTCACAATCATGGCCGCCTTGGTCA-3'
Protein context (NP_002221.1, residues 169-189): LSKKEASRRA[Leu179Gln]MGSPQLVAAV

ClinVar aggregate classification (germline): Uncertain significance (1 of 4 stars; one submission).

Conditions:
Arrhythmogenic right ventricular dysplasia 12. Also called: ARRHYTHMOGENIC RIGHT VENTRICULAR DYSPLASIA, FAMILIAL, 12. Identifiers: MedGen C1969081, MONDO:0012684, OMIM 611528.
Naxos disease (NXD). Also called: KERATOSIS PALMOPLANTARIS WITH ARRHYTHMOGENIC CARDIOMYOPATHY; MAL DE NAXOS; PALMOPLANTAR KERATODERMA WITH ARRHYTHMOGENIC RIGHT VENTRICULAR CARDIOMYOPATHY AND WOOLLY HAIR; WOOLLY HAIR, PALMOPLANTAR KERATODERMA, AND CARDIAC ABNORMALITIES; CARDIOMYOPATHY, ARRHYTHMOGENIC RIGHT VENTRICULAR, WITH SKIN, HAIR, AND NAIL ABNORMALITIES. Identifiers: Orphanet 34217, MedGen C1832600, MONDO:0011017, OMIM 601214.

Submission:

Labcorp Genetics (formerly Invitae), Labcorp
Classification: Uncertain significance for Arrhythmogenic right ventricular dysplasia 12; Naxos disease. Last evaluated: 2025-03-28. Review status: criteria provided, single submitter. Criteria: Invitae Variant Classification Sherloc (09022015). Collection method: clinical testing. Allele origin: germline.
Comment: This sequence change replaces leucine, which is neutral and non-polar, with glutamine, which is neutral and polar, at codon 179 of the JUP protein (p.Leu179Gln). This variant is not present in population databases (gnomAD no frequency). This variant has not been reported in the literature in individuals affected with JUP-related conditions. ClinVar contains an entry for this variant (Variation ID: 2950558). An algorithm developed to predict the effect of missense changes on protein structure and function (PolyPhen-2) suggests that this variant is likely to be disruptive. In summary, the available evidence is currently insufficient to determine the role of this variant in disease. Therefore, it has been classified as a Variant of Uncertain Significance.